The following is an entry in ClinVar:

NM_000550.3(TYRP1):c.1337dup (p.Val447fs)

Genes: LURAP1L-AS1 (LURAP1L antisense RNA 1; minus strand), TYRP1 (tyrosinase related protein 1; plus strand). Cytogenetic location: 9p23.
Variant type: Duplication.
Coding change: c.1337dup on transcript NM_000550.3 (MANE Select); coding-DNA position 1337, one base duplicated (C; older notation c.1337dupC).
Protein change: p.Val447fs; shifts the reading frame from valine 447.
Molecular consequence: frameshift variant.
Genome position (GRCh38, 1-based): chr9:12,708,072, C duplicated; the last of 5 consecutive C bases (chr9:12,708,068-12,708,072); duplicating any one gives the same sequence. VCF-style (leftmost placement, unchanged base first): chr9-12708067-G-GC. GRCh37 (hg19) VCF-style: chr9-12708067-G-GC.
Other names: short protein forms V447fs.
Identifiers: ClinVar variation 1969424 (VCV001969424.5), dbSNP rs1818289101, ClinGen allele CA1834024836.

ClinVar aggregate classification (germline): Uncertain significance (1 of 4 stars; one submission).

Submission:

Labcorp Genetics (formerly Invitae), Labcorp
Classification: Uncertain significance. Last evaluated: 2022-10-04. Review status: criteria provided, single submitter. Criteria: Invitae Variant Classification Sherloc (09022015). Collection method: clinical testing. Allele origin: germline.
Comment: In summary, the available evidence is currently insufficient to determine the role of this variant in disease. Therefore, it has been classified as a Variant of Uncertain Significance. This variant disrupts a region of the TYRP1 protein in which other variant(s) (p.Phe453Ser) have been observed in individuals with TYRP1-related conditions (Invitae). This suggests that this is a clinically significant region of the protein, and that variants that disrupt it are likely to be disease-causing. Experimental studies and prediction algorithms are not available or were not evaluated, and the functional significance of this variant is currently unknown. This variant has not been reported in the literature in individuals affected with TYRP1-related conditions. This variant is not present in population databases (gnomAD no frequency). This sequence change creates a premature translational stop signal (p.Val447Serfs*19) in the TYRP1 gene. While this is not anticipated to result in nonsense mediated decay, it is expected to disrupt the last 91 amino acid(s) of the TYRP1 protein.